The following is an entry in ClinVar:

ClinVar aggregate classification (germline): Uncertain significance (1 of 4 stars; one submission).

gnomAD v4.1: 30 of 1,613,724 alleles (0.0019%); highest among the groups gnomAD compares: Admixed American, 0.0017%; no homozygotes.

Submission:

Labcorp Genetics (formerly Invitae), Labcorp
Classification: Uncertain significance. Last evaluated: 2024-11-21. Review status: criteria provided, single submitter. Criteria: Invitae Variant Classification Sherloc (09022015). Collection method: clinical testing. Allele origin: germline.
Comment: This sequence change falls in intron 10 of the BCAT2 gene. It does not directly change the encoded amino acid sequence of the BCAT2 protein. This variant is present in population databases (no rsID available, gnomAD 0.003%). This variant has not been reported in the literature in individuals affected with BCAT2-related conditions. Algorithms developed to predict the effect of sequence changes on RNA splicing suggest that this variant may disrupt the consensus splice site. In summary, the available evidence is currently insufficient to determine the role of this variant in disease. Therefore, it has been classified as a Variant of Uncertain Significance.

NM_001190.4(BCAT2):c.1141-6C>G

Genes: BCAT2 (branched chain amino acid transaminase 2; minus strand), LOC130064882 (ATAC-STARR-seq lymphoblastoid active region 14907; plus strand). Cytogenetic location: 19q13.33.
Variant type: single nucleotide variant.
Coding change: c.1141-6C>G on transcript NM_001190.4 (MANE Select); 6 bases into the intron before coding-DNA position 1141, C replaced by G.
Molecular consequence: intron variant.
Genome position (GRCh38, 1-based): chr19:48,795,470, G>C on the plus strand (C>G on the coding strand, the complement: BCAT2 is on the minus strand). VCF-style: chr19-48795470-G-C. GRCh37 (hg19) VCF-style: chr19-49298727-G-C.
Other names: c.865-6C>G (NM_001164773.2); c.1021-6C>G (NM_001284325.2).
Identifiers: ClinVar variation 3664658 (VCV003664658.2).